The following is an entry in ClinVar:

ClinVar aggregate classification (germline): Uncertain significance. Review status: criteria provided, multiple submitters, no conflicts (2 of 4 stars). 3 submissions from 3 submitters: Uncertain significance (3). Last evaluated 2023-04-10.

Conditions:
Catecholaminergic polymorphic ventricular tachycardia (CVPT). Also called: Catecholamine-induced polymorphic ventricular tachycardia. Identifiers: Orphanet 3286, MedGen C5574922, MONDO:0017990.
Cardiomyopathy (CMYO). Also called: Cardiomyopathies. Identifiers: Orphanet 167848, MedGen C0878544, MONDO:0004994, HP:0001638. Inheritance: Various modes of inheritance.
Catecholaminergic polymorphic ventricular tachycardia 1. Also called: RYR2-Related Catecholaminergic Polymorphic Ventricular Tachycardia; VENTRICULAR TACHYCARDIA, STRESS-INDUCED POLYMORPHIC 1; VENTRICULAR TACHYCARDIA, CATECHOLAMINERGIC POLYMORPHIC, 1, WITH OR WITHOUT ATRIAL DYSFUNCTION AND/OR DILATED CARDIOMYOPATHY. Identifiers: Orphanet 3286, MedGen C1631597, MONDO:0011484, OMIM 604772.

Allele frequency attached by ClinVar (database versions not stated): gnomAD exomes below 0.00001.
gnomAD v4.1: 1 of 1,611,990 alleles (0.000062%); no homozygotes.

Submissions (3):

All of Us Research Program, National Institutes of Health
Classification: Uncertain significance for Catecholaminergic polymorphic ventricular tachycardia. Last evaluated: 2023-04-10. Review status: criteria provided, single submitter. Criteria: ACMG Guidelines, 2015. Collection method: clinical testing. Allele origin: germline. Inheritance: Autosomal dominant inheritance. Observed: 1 variant allele, 1 heterozygote.
Comment: This missense variant replaces aspartic acid with histidine at codon 3662 of the RYR2 protein. Computational prediction suggests that this variant may have deleterious impact on protein structure and function (internally defined REVEL score threshold >= 0.7, PMID: 27666373). To our knowledge, functional studies have not been reported for this variant. This variant has not been reported in individuals affected with RYR2-related disorders in the literature. This variant has not been identified in the general population by the Genome Aggregation Database (gnomAD). The available evidence is insufficient to determine the role of this variant in disease conclusively. Therefore, this variant is classified as a Variant of Uncertain Significance.

This study involves interpretation of variants in research participants for the purpose of population health screening. Participant phenotype was not available at the time of variant classification. Additional details can be found in publication PMID: 35346344, PMCID: PMC8962531

Color Diagnostics, LLC DBA Color Health
Classification: Uncertain significance for Cardiomyopathy. Last evaluated: 2022-11-06. Review status: criteria provided, single submitter. Criteria: ACMG Guidelines, 2015. Collection method: clinical testing. Allele origin: germline.
Comment: This missense variant replaces aspartic acid with histidine at codon 3662 of the RYR2 protein. Computational prediction suggests that this variant may have deleterious impact on protein structure and function (internally defined REVEL score threshold >= 0.7, PMID: 27666373). To our knowledge, functional studies have not been reported for this variant. This variant has not been reported in individuals affected with RYR2-related disorders in the literature. This variant has not been identified in the general population by the Genome Aggregation Database (gnomAD). The available evidence is insufficient to determine the role of this variant in disease conclusively. Therefore, this variant is classified as a Variant of Uncertain Significance.

Labcorp Genetics (formerly Invitae), Labcorp
Classification: Uncertain significance for Catecholaminergic polymorphic ventricular tachycardia 1. Last evaluated: 2022-02-08. Review status: criteria provided, single submitter. Criteria: Invitae Variant Classification Sherloc (09022015). Collection method: clinical testing. Allele origin: germline.
Comment: This variant is not present in population databases (gnomAD no frequency). This sequence change replaces aspartic acid, which is acidic and polar, with histidine, which is basic and polar, at codon 3662 of the RYR2 protein (p.Asp3662His). In summary, the available evidence is currently insufficient to determine the role of this variant in disease. Therefore, it has been classified as a Variant of Uncertain Significance. Advanced modeling of protein sequence and biophysical properties (such as structural, functional, and spatial information, amino acid conservation, physicochemical variation, residue mobility, and thermodynamic stability) performed at Invitae indicates that this missense variant is expected to disrupt RYR2 protein function. This variant has not been reported in the literature in individuals affected with RYR2-related conditions.

NM_001035.3(RYR2):c.10984G>C (p.Asp3662His)

Gene: RYR2 (ryanodine receptor 2; plus strand). Cytogenetic location: 1q43.
Variant type: single nucleotide variant.
Coding change: c.10984G>C on transcript NM_001035.3 (MANE Select); coding-DNA position 10984, G replaced by C.
Protein change: p.Asp3662His; replaces aspartic acid 3662 with histidine.
Molecular consequence: missense variant.
Genome position (GRCh38, 1-based): chr1:237,732,094, G>C. VCF-style: chr1-237732094-G-C. GRCh37 (hg19) VCF-style: chr1-237895394-G-C.
Other names: short protein forms D3662H.
Identifiers: ClinVar variation 2094764 (VCV002094764.7), dbSNP rs2527070235, ClinGen allele CA345419010.